The following is an entry in ClinVar:

ClinVar aggregate classification (germline): Conflicting classifications of pathogenicity. Review status: criteria provided, conflicting classifications (1 of 4 stars). 11 submissions from 11 submitters: Uncertain significance (9); Likely benign (2). Last evaluated 2026-01-21.

Conditions:
Inborn genetic diseases. Identifiers: MedGen C0950123, MeSH D030342.
SEPN1-related disorder. Also called: SEPN1-Related Disorders. Identifiers: MedGen CN239420.
Eichsfeld type congenital muscular dystrophy (CMYO3). Also called: MYOPATHY, SEPN1-RELATED; SELENON-related myopathy; Congenital myopathy 3 with rigid spine; Rigid spine muscular dystrophy 1. Identifiers: MedGen C0410180, MONDO:0100100, OMIM 602771.
Congenital myopathy with fiber type disproportion. Also called: Congenital fiber-type disproportion myopathy; Congenital fiber-type disproportion. Identifiers: Orphanet 2020, MedGen C0546264, MONDO:0009711. Inheritance: all.

Allele frequency attached by ClinVar (database versions not stated): ExAC below 0.00001; 1000 Genomes Project 30x 0.00016; gnomAD 0.00018 and 0.00020; gnomAD exomes 0.00013; TOPMed 0.00025.
gnomAD v4.1: 149 of 1,012,816 alleles (0.015%); highest among the groups gnomAD compares: Middle Eastern, 0.39%; 1 homozygote.

Submissions (11):

Labcorp Genetics (formerly Invitae), Labcorp
Classification: Likely benign for Eichsfeld type congenital muscular dystrophy. Last evaluated: 2026-01-21. Review status: criteria provided, single submitter. Criteria: Invitae Variant Classification Sherloc (09022015). Collection method: clinical testing. Allele origin: germline.

CeGaT Center for Human Genetics Tuebingen
Classification: Uncertain significance. Last evaluated: 2025-07-01. Review status: criteria provided, single submitter. Criteria: CeGaT Center For Human Genetics Tuebingen Variant Classification Criteria Version 2. Collection method: clinical testing. Allele origin: germline. Affected: yes. Observed: 4 variant alleles.
Comment: SELENON: PP3

Mayo Clinic Laboratories, Mayo Clinic
Classification: Uncertain significance. Last evaluated: 2025-01-02. Review status: criteria provided, single submitter. Criteria: ACMG Guidelines, 2015. Collection method: clinical testing. Allele origin: germline. Observed: 2 variant alleles.

Blueprint Genetics
Classification: Uncertain significance. Last evaluated: 2024-09-23. Review status: criteria provided, single submitter. Criteria: ACMG Guidelines, 2015. Collection method: clinical testing. Allele origin: germline.

Revvity Omics, Revvity
Classification: Likely benign for Eichsfeld type congenital muscular dystrophy. Last evaluated: 2024-06-28. Review status: criteria provided, single submitter. Criteria: ACMG Guidelines, 2015. Collection method: clinical testing. Allele origin: germline.

Women's Health and Genetics/Laboratory Corporation of America, LabCorp
Classification: Uncertain significance. Last evaluated: 2023-10-16. Review status: criteria provided, single submitter. Criteria: LabCorp Variant Classification Summary - May 2015. Collection method: clinical testing. Allele origin: germline.
Comment: Variant summary: SELENON c.103G>C (p.Gly35Arg) results in a non-conservative amino acid change in the encoded protein sequence. Three of five in-silico tools predict a benign effect of the variant on protein function. The variant was absent in 4190 control chromosomes. The available data on variant occurrences in the general population are insufficient to allow any conclusion about variant significance. To our knowledge, no occurrence of c.103G>C in individuals affected with Eichsfeld Type Congenital Muscular Dystrophy and no experimental evidence demonstrating its impact on protein function have been reported. Eight submitters have cited clinical-significance assessments for this variant to ClinVar after 2014 and classified as VUS (n=7) and likely benign (n=1). Based on the evidence outlined above, the variant was classified as uncertain significance.

Ambry Genetics
Classification: Uncertain significance for Inborn genetic diseases. Last evaluated: 2023-02-16. Review status: criteria provided, single submitter. Criteria: Ambry Variant Classification Scheme 2023. Collection method: clinical testing. Allele origin: germline.

Baylor Genetics
Classification: Uncertain significance for Congenital myopathy 4A, autosomal dominant. Last evaluated: 2019-12-13. Review status: criteria provided, single submitter. Criteria: ACMG Guidelines, 2015. Collection method: clinical testing. Allele origin: unknown. Affected: yes.
Comment: This variant was determined to be of uncertain significance according to ACMG Guidelines, 2015 [PMID:25741868].

Illumina Laboratory Services, Illumina
Classification: Uncertain significance for SEPN1-Related Disorders. Last evaluated: 2018-01-13. Review status: criteria provided, single submitter. Criteria: ICSL Variant Classification Criteria 13 December 2019. Collection method: clinical testing. Allele origin: germline.

GeneDx
Classification: Uncertain significance. Last evaluated: 2017-07-11. Review status: criteria provided, single submitter. Criteria: GeneDx Variant Classification (06012015). Collection method: clinical testing. Allele origin: germline. Affected: yes.
Comment: A variant of uncertain significance has been identified in the SEPN1 gene. The G35R variant has not been published as a pathogenic variant, nor has it been reported as a benign variant to our knowledge. No data are available from control populations to assess the frequency of this variant. This variant is a non-conservative amino acid substitution, which is likely to impact secondary protein structure as these residues differ in polarity, charge, size and/or other properties. This substitution occurs at a position that is conserved in mammals. However, in silico analysis is inconsistent in its predictions as to whether or not the variant is damaging to the protein structure/function. Therefore, based on the currently available information, it is unclear whether this variant is a pathogenic variant or a rare benign variant

Eurofins Ntd Llc (ga)
Classification: Uncertain significance. Last evaluated: 2013-06-18. Review status: criteria provided, single submitter. Criteria: EGL Classification Definitions 2015. Collection method: clinical testing. Allele origin: germline. Observed: 1 variant allele, 1 heterozygote.

NM_206926.2(SELENON):c.103G>C (p.Gly35Arg)

Gene: SELENON (selenoprotein N; plus strand). Cytogenetic location: 1p36.11.
Variant type: single nucleotide variant.
Coding change: c.103G>C on transcript NM_206926.2 (MANE Select); coding-DNA position 103, G replaced by C.
Protein change: p.Gly35Arg; replaces glycine 35 with arginine.
Molecular consequence: missense variant.
Genome position (GRCh38, 1-based): chr1:25,800,333, G>C. VCF-style: chr1-25800333-G-C. GRCh37 (hg19) VCF-style: chr1-26126824-G-C.
Other names: c.103G>C, p.Gly35Arg (NM_020451.3); short protein forms G35R.
Identifiers: ClinVar variation 95955 (VCV000095955.60), dbSNP rs398124359, ClinGen allele CA223578.